The following is an entry in ClinVar:

ClinVar aggregate classification (germline): Uncertain significance (1 of 4 stars; one submission).

Submission:

GeneDx
Classification: Uncertain significance. Last evaluated: 2025-11-21. Review status: criteria provided, single submitter. Criteria: GeneDx Variant Classification Process June 2021. Collection method: clinical testing. Allele origin: germline. Affected: yes.
Comment: Not observed at significant frequency in large population cohorts (gnomAD); In silico analysis supports that this missense variant has a deleterious effect on protein structure/function; Has not been previously published as pathogenic or benign to our knowledge

NM_001127222.2(CACNA1A):c.5455G>A (p.Asp1819Asn)

Gene: CACNA1A (calcium voltage-gated channel subunit alpha1 A; minus strand). Cytogenetic location: 19p13.13.
Variant type: single nucleotide variant.
Coding change: c.5455G>A on transcript NM_001127222.2 (MANE Select); coding-DNA position 5455, G replaced by A.
Protein change: p.Asp1819Asn; replaces aspartic acid 1819 with asparagine.
Molecular consequence: missense variant.
Genome position (GRCh38, 1-based): chr19:13,230,155, C>T on the plus strand (G>A on the coding strand, the complement: CACNA1A is on the minus strand). VCF-style: chr19-13230155-C-T. GRCh37 (hg19) VCF-style: chr19-13340969-C-T.
Other names: c.5473G>A, p.Asp1825Asn (NM_000068.4, NM_023035.3); c.5458G>A, p.Asp1820Asn (NM_001127221.2); c.5464G>A, p.Asp1822Asn (NM_001174080.2); short protein forms D1819N, D1820N, D1822N, D1825N.
Identifiers: ClinVar variation 1304795 (VCV001304795.3), dbSNP rs867018315, ClinGen allele CA305512707.